The following is an entry in ClinVar:

ClinVar aggregate classification (germline): Uncertain significance (1 of 4 stars; one submission).

Allele frequency attached by ClinVar (database versions not stated): TOPMed 0.00002; ESP Exome Variant Server 0.00008; ExAC 0.00001; gnomAD exomes 0.00001.
gnomAD v4.1: 12 of 1,614,056 alleles (0.00074%); highest among the groups gnomAD compares: Middle Eastern, 0.033%; no homozygotes.

Submission:

Labcorp Genetics (formerly Invitae), Labcorp
Classification: Uncertain significance. Last evaluated: 2023-09-26. Review status: criteria provided, single submitter. Criteria: Invitae Variant Classification Sherloc (09022015). Collection method: clinical testing. Allele origin: germline.
Comment: In summary, the available evidence is currently insufficient to determine the role of this variant in disease. Therefore, it has been classified as a Variant of Uncertain Significance. Advanced modeling of protein sequence and biophysical properties (such as structural, functional, and spatial information, amino acid conservation, physicochemical variation, residue mobility, and thermodynamic stability) performed at Invitae indicates that this missense variant is not expected to disrupt REPS1 protein function. This variant has not been reported in the literature in individuals affected with REPS1-related conditions. This variant is present in population databases (rs374651658, gnomAD 0.007%). This sequence change replaces proline, which is neutral and non-polar, with leucine, which is neutral and non-polar, at codon 555 of the REPS1 protein (p.Pro555Leu).

NM_001286611.2(REPS1):c.1664C>T (p.Pro555Leu)

Gene: REPS1 (RALBP1 associated Eps domain containing 1; minus strand). Cytogenetic location: 6q24.1.
Variant type: single nucleotide variant.
Coding change: c.1664C>T on transcript NM_001286611.2 (MANE Select); coding-DNA position 1664, C replaced by T.
Protein change: p.Pro555Leu; replaces proline 555 with leucine.
Molecular consequence: missense variant. On other transcripts: intron variant (1).
Genome position (GRCh38, 1-based): chr6:138,915,914, G>A on the plus strand (C>T on the coding strand, the complement: REPS1 is on the minus strand). VCF-style: chr6-138915914-G-A. GRCh37 (hg19) VCF-style: chr6-139237051-G-A.
Other names: c.1583C>T, p.Pro528Leu (NM_001128617.3); c.1661C>T, p.Pro554Leu (NM_031922.5); c.1448-1153C>T (NM_001286612.2); short protein forms P528L, P555L, P554L.
Identifiers: ClinVar variation 2994726 (VCV002994726.3), dbSNP rs374651658, ClinGen allele CA4024092.